The following is an entry in ClinVar:

NM_001267550.2(TTN):c.65486A>G (p.Gln21829Arg)

Genes: TTN (titin; minus strand), TTN-AS1 (TTN antisense RNA 1; plus strand). Cytogenetic location: 2q31.2.
Variant type: single nucleotide variant.
Coding change: c.65486A>G on transcript NM_001267550.2 (MANE Select); coding-DNA position 65486, A replaced by G.
Protein change: p.Gln21829Arg; replaces glutamine 21829 with arginine.
Molecular consequence: missense variant. On other transcripts: non-coding transcript variant (1).
Genome position (GRCh38, 1-based): chr2:178,583,696, T>C on the plus strand (A>G on the coding strand, the complement: TTN is on the minus strand). VCF-style: chr2-178583696-T-C. GRCh37 (hg19) VCF-style: chr2-179448423-T-C.
Other names: c.60563A>G, p.Gln20188Arg (NM_001256850.1); c.38291A>G, p.Gln12764Arg (NM_003319.4); c.57782A>G, p.Gln19261Arg (NM_133378.4); c.38666A>G, p.Gln12889Arg (NM_133432.3); c.38867A>G, p.Gln12956Arg (NM_133437.4); short protein forms Q19261R, Q21829R, Q12764R, Q12956R, Q12889R, Q20188R.
Identifiers: ClinVar variation 263775 (VCV000263775.7), dbSNP rs886038921, ClinGen allele CA10587486.

ClinVar aggregate classification (germline): Uncertain significance. Review status: criteria provided, multiple submitters, no conflicts (2 of 4 stars). 4 submissions from 4 submitters: Uncertain significance (4). Last evaluated 2024-08-27.

Conditions:
Dilated cardiomyopathy 1G (CMD1G). Identifiers: Orphanet 154, MedGen C1858763, MONDO:0011400, OMIM 604145.
Autosomal recessive limb-girdle muscular dystrophy type 2J (LGMDR10). Also called: Limb-girdle muscular dystrophy, type 2J; MUSCULAR DYSTROPHY, LIMB-GIRDLE, AUTOSOMAL RECESSIVE 10. Identifiers: Orphanet 140922, MedGen C1837342, MONDO:0012127, OMIM 608807.
Cardiovascular phenotype. Identifiers: MedGen CN230736.

Allele frequency attached by ClinVar (database versions not stated): gnomAD exomes 0.00001 and below 0.00001.
gnomAD v4.1: 2 of 1,612,438 alleles (0.00012%); highest among the groups gnomAD compares: Admixed American, 0.0033%; no homozygotes.

Submissions (4):

Revvity Omics, Revvity
Classification: Uncertain significance. Last evaluated: 2024-08-27. Review status: criteria provided, single submitter. Criteria: ACMG Guidelines, 2015. Collection method: clinical testing. Allele origin: germline.

Women's Health and Genetics/Laboratory Corporation of America, LabCorp
Classification: Uncertain significance. Last evaluated: 2023-08-19. Review status: criteria provided, single submitter. Criteria: LabCorp Variant Classification Summary - May 2015. Collection method: clinical testing. Allele origin: germline.

Labcorp Genetics (formerly Invitae), Labcorp
Classification: Uncertain significance for Dilated cardiomyopathy 1G; Autosomal recessive limb-girdle muscular dystrophy type 2J. Last evaluated: 2017-12-09. Review status: criteria provided, single submitter. Criteria: Invitae Variant Classification Sherloc (09022015). Collection method: clinical testing. Allele origin: germline.

Ambry Genetics
Classification: Uncertain significance for Cardiovascular phenotype. Last evaluated: 2013-10-04. Review status: criteria provided, single submitter. Criteria: Ambry Autosomal Dominant and X-Linked criteria (10/2015). Collection method: clinical testing. Allele origin: germline. Observed: 1 variant allele.
Comment: The p.Q19261R variant (also known as c.57782A>G) is located in coding exon 260 of the TTNgene. This alteration results from a A to G substitution at nucleotide position 57782. The glutamine at codon 19261 is replaced by arginine, an amino acid with similar properties.This variant was not reported in population-based cohorts in the following databases: Database of Single Nucleotide Polymorphisms (dbSNP), the 1000 Genomes Project and the NHLBI Exome Sequencing Project (ESP). In the ESP, this variant was not observed in 6009 samples (13018 alleles) with coverage at this position. Based on protein sequence alignment, this amino acid position is well conserved in available vertebrate species, with arginine as the reference amino acid in one species.In addition, this alteration is predicted to be benign by PolyPhen in silico analysis. Since supporting evidence is limited at this time, the clinical significance of this variant remains unclear.